The following is an entry in ClinVar:

ClinVar aggregate classification (germline): Pathogenic. Review status: criteria provided, single submitter (1 of 4 stars). 2 submissions from 2 submitters: Pathogenic (1). 1 of the submissions does not count toward it. Last evaluated 2022-08-27.

Conditions:
Charcot-Marie-Tooth disease, type I (CMT1). Also called: Charcot-Marie-Tooth, Type 1; Charcot-Marie-Tooth disease type 1. Identifiers: Orphanet 65753, MedGen C0751036, MONDO:0019011.
Charcot-Marie-Tooth disease, type IA (CMT1A). Also called: CHARCOT-MARIE-TOOTH DISEASE, DEMYELINATING, TYPE 1A; CHARCOT-MARIE-TOOTH DISEASE, AUTOSOMAL DOMINANT, WITH FOCALLY FOLDED MYELIN SHEATHS, TYPE 1A; CHARCOT-MARIE-TOOTH NEUROPATHY, TYPE 1A; HEREDITARY MOTOR AND SENSORY NEUROPATHY IA; Charcot-Marie-Tooth disease type 1A; CMT 1A. Identifiers: Orphanet 101081, MedGen C0270911, MONDO:0007309, OMIM 118220.

Submissions (2):

Labcorp Genetics (formerly Invitae), Labcorp
Classification: Pathogenic for Charcot-Marie-Tooth disease, type I. Last evaluated: 2022-08-27. Review status: criteria provided, single submitter. Criteria: Invitae Variant Classification Sherloc (09022015). Collection method: clinical testing. Allele origin: germline.
Comment: For these reasons, this variant has been classified as Pathogenic. This variant disrupts the p.Ser79 amino acid residue in PMP22. Other variant(s) that disrupt this residue have been determined to be pathogenic (Invitae). This suggests that this residue is clinically significant, and that variants that disrupt this residue are likely to be disease-causing. Advanced modeling of protein sequence and biophysical properties (such as structural, functional, and spatial information, amino acid conservation, physicochemical variation, residue mobility, and thermodynamic stability) performed at Invitae indicates that this missense variant is expected to disrupt PMP22 protein function. ClinVar contains an entry for this variant (Variation ID: 8429). This missense change has been observed in individual(s) with Charcot-Marie-Tooth Type 1 (PMID: 8510709). In at least one individual the variant was observed to be de novo. This variant is not present in population databases (gnomAD no frequency). This sequence change replaces serine, which is neutral and polar, with cysteine, which is neutral and slightly polar, at codon 79 of the PMP22 protein (p.Ser79Cys).

OMIM
Classification: Pathogenic for CHARCOT-MARIE-TOOTH DISEASE, TYPE 1A. Last evaluated: 1993-07-08. Review status: no assertion criteria provided. Collection method: literature only. Allele origin: germline. Not counted in ClinVar's aggregate classification.

Literature cited by the submitters: PubMed 8510709 (cited by Labcorp Genetics (formerly Invitae), Labcorp and OMIM).

NM_000304.4(PMP22):c.236C>G (p.Ser79Cys)

Gene: PMP22 (peripheral myelin protein 22; minus strand). Cytogenetic location: 17p12.
Variant type: single nucleotide variant.
Coding change: c.236C>G on transcript NM_000304.4 (MANE Select); coding-DNA position 236, C replaced by G.
Protein change: p.Ser79Cys; replaces serine 79 with cysteine.
Molecular consequence: missense variant. On other transcripts: non-coding transcript variant (2).
Genome position (GRCh38, 1-based): chr17:15,239,554, G>C on the plus strand (C>G on the coding strand, the complement: PMP22 is on the minus strand). VCF-style: chr17-15239554-G-C. GRCh37 (hg19) VCF-style: chr17-15142871-G-C.
Other names: c.236C>G, p.Ser79Cys (NM_001281455.2, NM_001281456.2, NM_001330143.2 and 2 more transcripts); short protein forms S79C.
Identifiers: ClinVar variation 8429 (VCV000008429.5), dbSNP rs104894618, ClinGen allele CA254385.
Genomic context (GRCh38, chr17:15,239,554, plus strand): 5'-GTGATGTAAAACCTGCCCCCCTTGGTGAGGGTGAAGAGTTGGCAGAAGAACAGGAACAGA[G>C]ACAGAATGCTGAAGATGATCGACAGGATCATGGTGGCCTGGACAGACTGCAGCCATTCTG-3'
Protein context (NP_000295.1, residues 69-89): MILSIIFSIL[Ser79Cys]LFLFFCQLFT